The following is an entry in ClinVar:

ClinVar aggregate classification (germline): Uncertain significance (1 of 4 stars; one submission).

Submission:

Women's Health and Genetics/Laboratory Corporation of America, LabCorp
Classification: Uncertain significance. Last evaluated: 2024-06-20. Review status: criteria provided, single submitter. Criteria: LabCorp Variant Classification Summary - May 2015. Collection method: clinical testing. Allele origin: germline.
Comment: Variant summary: FAT2 c.7028A>G (p.Gln2343Arg) results in a conservative amino acid change located in the Cadherin-like domain (IPR002126) of the encoded protein sequence. Four of five in-silico tools predict a benign effect of the variant on protein function. The variant was absent in 251314 control chromosomes (gnomAD). The available data on variant occurrences in the general population are insufficient to allow any conclusion about variant significance. To our knowledge, no occurrence of c.7028A>G in individuals affected with Spinocerebellar Ataxia 45 and no experimental evidence demonstrating its impact on protein function have been reported. No submitters have cited clinical-significance assessments for this variant to ClinVar. Based on the evidence outlined above, the variant was classified as uncertain significance.

NM_001447.3(FAT2):c.7028A>G (p.Gln2343Arg)

Genes: FAT2 (FAT atypical cadherin 2; minus strand), SLC36A1 (solute carrier family 36 member 1; plus strand). Cytogenetic location: 5q33.1.
Variant type: single nucleotide variant.
Coding change: c.7028A>G on transcript NM_001447.3 (MANE Select); coding-DNA position 7028, A replaced by G.
Protein change: p.Gln2343Arg; replaces glutamine 2343 with arginine.
Molecular consequence: missense variant.
Genome position (GRCh38, 1-based): chr5:151,544,099, T>C on the plus strand (A>G on the coding strand, the complement: FAT2 is on the minus strand). VCF-style: chr5-151544099-T-C. GRCh37 (hg19) VCF-style: chr5-150923660-T-C.
Other names: short protein forms Q2343R.
Identifiers: ClinVar variation 3339906 (VCV003339906.1).